The following is an entry in ClinVar:

NM_020921.4(NIN):c.3877G>A (p.Glu1293Lys)

Gene: NIN (ninein; minus strand). Cytogenetic location: 14q22.1.
Variant type: single nucleotide variant.
Coding change: c.3877G>A on transcript NM_020921.4 (MANE Select); coding-DNA position 3877, G replaced by A.
Protein change: p.Glu1293Lys; replaces glutamic acid 1293 with lysine.
Molecular consequence: missense variant. On other transcripts: intron variant (1).
Genome position (GRCh38, 1-based): chr14:50,757,153, C>T on the plus strand (G>A on the coding strand, the complement: NIN is on the minus strand). VCF-style: chr14-50757153-C-T. GRCh37 (hg19) VCF-style: chr14-51223871-C-T.
Other names: c.3877G>A, p.Glu1293Lys (NM_182944.3, NM_182946.2); c.2400-2286G>A (NM_016350.5); short protein forms E1293K.
Identifiers: ClinVar variation 4718797 (VCV004718797.1).

ClinVar aggregate classification (germline): Uncertain significance (1 of 4 stars; one submission).

Submission:

Labcorp Genetics (formerly Invitae), Labcorp
Classification: Uncertain significance. Last evaluated: 2025-05-07. Review status: criteria provided, single submitter. Criteria: Invitae Variant Classification Sherloc (09022015). Collection method: clinical testing. Allele origin: germline.
Comment: This sequence change replaces glutamic acid, which is acidic and polar, with lysine, which is basic and polar, at codon 1293 of the NIN protein (p.Glu1293Lys). This variant is not present in population databases (gnomAD no frequency). This variant has not been reported in the literature in individuals affected with NIN-related conditions. An algorithm developed to predict the effect of missense changes on protein structure and function (PolyPhen-2) suggests that this variant is likely to be disruptive. In summary, the available evidence is currently insufficient to determine the role of this variant in disease. Therefore, it has been classified as a Variant of Uncertain Significance.